The following is an entry in ClinVar:

NM_206933.4(USH2A):c.4558A>C (p.Ile1520Leu)

Gene: USH2A (usherin; minus strand). Cytogenetic location: 1q41.
Variant type: single nucleotide variant.
Coding change: c.4558A>C on transcript NM_206933.4 (MANE Select); coding-DNA position 4558, A replaced by C.
Protein change: p.Ile1520Leu; replaces isoleucine 1520 with leucine.
Molecular consequence: missense variant.
Genome position (GRCh38, 1-based): chr1:216,175,321, T>G on the plus strand (A>C on the coding strand, the complement: USH2A is on the minus strand). VCF-style: chr1-216175321-T-G. GRCh37 (hg19) VCF-style: chr1-216348663-T-G.
Other names: c.4558A>C, p.Ile1520Leu (NM_007123.6); short protein forms I1520L.
Identifiers: ClinVar variation 4797194 (VCV004797194.1).
Genomic context (GRCh38, chr1:216,175,321, plus strand): 5'-CTGTATTGACTGGGTGAGTGGAGCTGGGAAATTTACAATACCCATTTCCTATGAAACGGA[T>G]TCCTTTCATCATCGTGGTCATCAGAGCTGGTAGAGATGACTCTCTCCTTTCCAGCTGATA-3'
Protein context (NP_996816.3, residues 1510-1530): PALMTTMMKG[Ile1520Leu]RFIGNGYCKF

ClinVar aggregate classification (germline): Uncertain significance (1 of 4 stars; one submission).

gnomAD v4.1: 11 of 1,613,672 alleles (0.00068%); highest among the groups gnomAD compares: African/African-American, 0.0013%; no homozygotes.

Submission:

Labcorp Genetics (formerly Invitae), Labcorp
Classification: Uncertain significance. Last evaluated: 2025-04-01. Review status: criteria provided, single submitter. Criteria: Invitae Variant Classification Sherloc (09022015). Collection method: clinical testing. Allele origin: germline.
Comment: This sequence change replaces isoleucine, which is neutral and non-polar, with leucine, which is neutral and non-polar, at codon 1520 of the USH2A protein (p.Ile1520Leu). This variant is present in population databases (rs770790346, gnomAD 0.002%). This variant has not been reported in the literature in individuals affected with USH2A-related conditions. Invitae Evidence Modeling of protein sequence and biophysical properties (such as structural, functional, and spatial information, amino acid conservation, physicochemical variation, residue mobility, and thermodynamic stability) indicates that this missense variant is not expected to disrupt USH2A protein function with a negative predictive value of 95%. In summary, the available evidence is currently insufficient to determine the role of this variant in disease. Therefore, it has been classified as a Variant of Uncertain Significance.